The following is an entry in ClinVar:

ClinVar aggregate classification (germline): Uncertain significance. Review status: criteria provided, multiple submitters, no conflicts (2 of 4 stars). 3 submissions from 3 submitters: Uncertain significance (3). Last evaluated 2025-12-05.

Conditions:
Familial adenomatous polyposis 3. Also called: NTHL1-related attenuated familial adenomatous polyposis; NTHL1-Related Adenomatous Polyposis and Colorectal Cancer; NTHL1-associated polyposis; NTHL1 Tumor Syndrome. Identifiers: Orphanet 220460, Orphanet 454840, MedGen C4225157, MONDO:0014630, OMIM 616415.
Hereditary cancer-predisposing syndrome. Also called: Neoplastic Syndromes, Hereditary; Hereditary neoplastic syndrome; Tumor predisposition; Hereditary Cancer Syndrome. Identifiers: Orphanet 140162, MedGen C0027672, MeSH D009386, MONDO:0015356.

Allele frequency attached by ClinVar (database versions not stated): TOPMed 0.00001.
gnomAD v4.1: 18 of 1,609,488 alleles (0.0011%); highest among the groups gnomAD compares: Non-Finnish European, 0.0014%; no homozygotes.

Submissions (3):

Ambry Genetics
Classification: Uncertain significance for Hereditary cancer-predisposing syndrome. Last evaluated: 2025-12-05. Review status: criteria provided, single submitter. Criteria: Ambry Variant Classification Scheme 2023. Collection method: clinical testing. Allele origin: germline.
Comment: The p.R296C variant (also known as c.886C>T), located in coding exon 6 of the NTHL1 gene, results from a C to T substitution at nucleotide position 886. The arginine at codon 296 is replaced by cysteine, an amino acid with highly dissimilar properties. This alteration was identified in an individual diagnosed with breast cancer (Li N et al. NPJ Breast Cancer, 2021 May;7:52). This amino acid position is not well conserved in available vertebrate species. In addition, the in silico prediction for this alteration is inconclusive. Since supporting evidence is limited at this time, the clinical significance of this alteration remains unclear.

Labcorp Genetics (formerly Invitae), Labcorp
Classification: Uncertain significance. Last evaluated: 2025-07-14. Review status: criteria provided, single submitter. Criteria: Invitae Variant Classification Sherloc (09022015). Collection method: clinical testing. Allele origin: germline.
Comment: This sequence change replaces arginine, which is basic and polar, with cysteine, which is neutral and slightly polar, at codon 296 of the NTHL1 protein (p.Arg296Cys). This variant is not present in population databases (gnomAD no frequency). This missense change has been observed in individual(s) with breast cancer (PMID: 33980861). ClinVar contains an entry for this variant (Variation ID: 858572). An algorithm developed to predict the effect of missense changes on protein structure and function (PolyPhen-2) suggests that this variant is likely to be disruptive. In summary, the available evidence is currently insufficient to determine the role of this variant in disease. Therefore, it has been classified as a Variant of Uncertain Significance.

Baylor Genetics
Classification: Uncertain significance for Familial adenomatous polyposis 3. Last evaluated: 2024-03-24. Review status: criteria provided, single submitter. Criteria: ACMG Guidelines, 2015. Collection method: clinical testing. Allele origin: unknown.

Literature cited by the submitters: PubMed 33980861 (cited by Ambry Genetics and Labcorp Genetics (formerly Invitae), Labcorp).

NM_002528.7(NTHL1):c.862C>T (p.Arg288Cys)

Gene: NTHL1 (nth like DNA glycosylase 1; minus strand). Cytogenetic location: 16p13.3.
Variant type: single nucleotide variant.
Coding change: c.862C>T on transcript NM_002528.7 (MANE Select); coding-DNA position 862, C replaced by T.
Protein change: p.Arg288Cys; replaces arginine 288 with cysteine.
Molecular consequence: missense variant.
Genome position (GRCh38, 1-based): chr16:2,039,977, G>A on the plus strand (C>T on the coding strand, the complement: NTHL1 is on the minus strand). VCF-style: chr16-2039977-G-A. GRCh37 (hg19) VCF-style: chr16-2089978-G-A.
Other names: c.691C>T, p.Arg231Cys (NM_001318193.2); c.532C>T, p.Arg178Cys (NM_001318194.2); short protein forms R288C, R178C, R231C.
Identifiers: ClinVar variation 858572 (VCV000858572.12), dbSNP rs571813695, ClinGen allele CA276760162.